The following is an entry in ClinVar:

NM_138927.4(SON):c.4216C>G (p.Pro1406Ala)

Gene: SON (SON DNA and RNA binding protein; plus strand). Cytogenetic location: 21q22.11.
Variant type: single nucleotide variant.
Coding change: c.4216C>G on transcript NM_138927.4 (MANE Select); coding-DNA position 4216, C replaced by G.
Protein change: p.Pro1406Ala; replaces proline 1406 with alanine.
Molecular consequence: missense variant. On other transcripts: non-coding transcript variant (1), intron variant (1).
Genome position (GRCh38, 1-based): chr21:33,553,447, C>G. VCF-style: chr21-33553447-C-G. GRCh37 (hg19) VCF-style: chr21-34925753-C-G.
Other names: c.4216C>G, p.Pro1406Ala (NM_001291411.2, NM_001412133.1, NM_032195.3 and 2 more transcripts); c.245-3709C>G (NM_001291412.3); c.4216C>G (NM_138927.2); short protein forms P1406A.
Identifiers: ClinVar variation 2071867 (VCV002071867.33), dbSNP rs149373538, ClinGen allele CA10009481.

ClinVar aggregate classification (germline): Benign/Likely benign. Review status: criteria provided, multiple submitters, no conflicts (2 of 4 stars). 4 submissions from 4 submitters: Benign (1); Likely benign (3). Last evaluated 2025-12-11.

Conditions:
SON-related disorder. Also called: SON-related condition.

Allele frequency attached by ClinVar (database versions not stated): TOPMed 0.00009; gnomAD 0.00011; ESP Exome Variant Server 0.00015.
gnomAD v4.1: 238 of 1,614,074 alleles (0.015%); highest among the groups gnomAD compares: Non-Finnish European, 0.018%; no homozygotes.

Submissions (4):

Women's Health and Genetics/Laboratory Corporation of America, LabCorp
Classification: Likely benign. Last evaluated: 2025-12-11. Review status: criteria provided, single submitter. Criteria: LabCorp Variant Classification Summary - May 2015. Collection method: clinical testing. Allele origin: germline.
Comment: Variant summary: SON c.4216C>G (p.Pro1406Ala) results in a non-conservative amino acid change in the encoded protein sequence. Algorithms developed to predict the effect of missense changes on protein structure and function are either unavailable or do not agree on the potential impact of this missense change. The variant allele was found at a frequency of 8.4e-05 in 251468 control chromosomes. This frequency is not significantly higher than estimated for disease-causing variants in SON, allowing no conclusion about variant significance. To our knowledge, no occurrence of c.4216C>G in individuals affected with SON-related conditions and no experimental evidence demonstrating its impact on protein function have been reported. ClinVar contains an entry for this variant (Variation ID: 2071867). Based on the evidence outlined above, the variant was classified as likely benign.

Labcorp Genetics (formerly Invitae), Labcorp
Classification: Benign. Last evaluated: 2025-01-30. Review status: criteria provided, single submitter. Criteria: Invitae Variant Classification Sherloc (09022015). Collection method: clinical testing. Allele origin: germline.

PreventionGenetics, part of Exact Sciences
Classification: Likely benign for SON-related condition. Last evaluated: 2024-10-14. Review status: criteria provided, single submitter. Criteria: ACMG Guidelines, 2015. Collection method: clinical testing. Allele origin: germline.
Comment: This variant is classified as likely benign based on ACMG/AMP sequence variant interpretation guidelines (Richards et al. 2015 PMID: 25741868, with internal and published modifications).

CeGaT Center for Human Genetics Tuebingen
Classification: Likely benign. Last evaluated: 2023-06-01. Review status: criteria provided, single submitter. Criteria: CeGaT Center For Human Genetics Tuebingen Variant Classification Criteria Version 2. Collection method: clinical testing. Allele origin: germline. Affected: yes. Observed: 1 variant allele.
Comment: SON: BP4